The following is an entry in ClinVar:

ClinVar aggregate classification (germline): Likely pathogenic (1 of 4 stars; one submission).

Conditions:
Mucopolysaccharidosis, MPS-III-C (MPS3C). Also called: MUCOPOLYSACCHARIDOSIS, TYPE IIIC; Mucopolysaccharidosis type IIIC (Sanfilippo C); SANFILIPPO SYNDROME C; MPS III C; mucopolysaccharidosis type 3C; MPS IIIC (Sanfilippo Syndrome Type C). Identifiers: Orphanet 581, Orphanet 79271, MedGen C0086649, MONDO:0009657, OMIM 252930.

Submission:

Myriad Genetics, Inc.
Classification: Likely pathogenic for Mucopolysaccharidosis, MPS-III-C. Last evaluated: 2022-01-02. Review status: criteria provided, single submitter. Criteria: Myriad Women's Health Autosomal Recessive and X-Linked Classification Criteria (2021). Collection method: clinical testing. Allele origin: unknown.
Comment: NM_152419.2(HGSNAT):c.1517_1523del7(R506Lfs*14) is expected to be pathogenic in the context of mucopolysaccharidosis type IIIC. This variant is predicted to lead to an abnormal or absent protein product due to the creation of a premature termination codon in HGSNAT, a gene where loss-of-function variants are known to be pathogenic. Please note: this variant was assessed in the context of healthy population screening.

NM_152419.3(HGSNAT):c.1517_1523del (p.Arg506fs)

Gene: HGSNAT (heparan-alpha-glucosaminide N-acetyltransferase; plus strand). Cytogenetic location: 8p11.21.
Variant type: Deletion.
Coding change: c.1517_1523del on transcript NM_152419.3 (MANE Select); coding-DNA positions 1517 to 1523, 7 bases deleted (GATTCAC; older notation c.1517_1523delGATTCAC).
Protein change: p.Arg506fs; shifts the reading frame from arginine 506.
Molecular consequence: frameshift variant.
Genome position (GRCh38, 1-based): chr8:43,197,000-43,197,006, GATTCAC deleted; deleting any 7 consecutive bases within chr8:43,196,999-43,197,006 gives the same sequence; the c. name uses the placement nearest the transcript's 3' end. VCF-style (leftmost placement, unchanged base first): chr8-43196998-TCGATTCA-T. GRCh37 (hg19) VCF-style: chr8-43052141-TCGATTCA-T.
Other names: c.1604_1610del, p.Arg535fs (NM_001363227.2); c.1325_1331del, p.Arg442fs (NM_001363228.2); c.653_659del, p.Arg218fs (NM_001363229.2); short protein forms R218fs, R442fs, R506fs, R535fs.
Identifiers: ClinVar variation 1726879 (VCV001726879.2), dbSNP rs2487114607, ClinGen allele CA2580078513.